The following is an entry in ClinVar:

ClinVar aggregate classification (germline): Uncertain significance. Review status: criteria provided, multiple submitters, no conflicts (2 of 4 stars). 3 submissions from 3 submitters: Uncertain significance (3). Last evaluated 2025-08-29.

Conditions:
Neuropathy, hereditary sensory and autonomic, type 2A (HSAN2A). Also called: ACROOSTEOLYSIS, GIACCAI TYPE; ACROOSTEOLYSIS, NEUROGENIC; MORVAN DISEASE; NEUROPATHY, CONGENITAL SENSORY; NEUROPATHY, HEREDITARY SENSORY RADICULAR, AUTOSOMAL RECESSIVE; NEUROPATHY, HEREDITARY SENSORY, TYPE IIA. Identifiers: Orphanet 970, MedGen C2752089, MONDO:0024309, OMIM 201300.
Pseudohypoaldosteronism type 2C (PHA2C). Also called: Pseudohypoaldosteronism Type IIC. Identifiers: Orphanet 757, Orphanet 88940, MedGen C1840391, MONDO:0013778, OMIM 614492.
Inborn genetic diseases. Identifiers: MedGen C0950123, MeSH D030342.

Allele frequency attached by ClinVar (database versions not stated): gnomAD exomes 0.00001; gnomAD 0.00005; TOPMed 0.00005.
gnomAD v4.1: 24 of 1,612,596 alleles (0.0015%); highest among the groups gnomAD compares: African/African-American, 0.0093%; no homozygotes.

Submissions (3):

Labcorp Genetics (formerly Invitae), Labcorp
Classification: Uncertain significance for Neuropathy, hereditary sensory and autonomic, type 2A; Pseudohypoaldosteronism type 2C. Last evaluated: 2025-08-29. Review status: criteria provided, single submitter. Criteria: Invitae Variant Classification Sherloc (09022015). Collection method: clinical testing. Allele origin: germline.
Comment: This sequence change replaces serine, which is neutral and polar, with asparagine, which is neutral and polar, at codon 10 of the WNK1 protein (p.Ser10Asn). This variant is present in population databases (no rsID available, gnomAD 0.01%). This variant has not been reported in the literature in individuals affected with WNK1-related conditions. ClinVar contains an entry for this variant (Variation ID: 1441656). Invitae Evidence Modeling of protein sequence and biophysical properties (such as structural, functional, and spatial information, amino acid conservation, physicochemical variation, residue mobility, and thermodynamic stability) indicates that this missense variant is not expected to disrupt WNK1 protein function with a negative predictive value of 95%. In summary, the available evidence is currently insufficient to determine the role of this variant in disease. Therefore, it has been classified as a Variant of Uncertain Significance.

Ambry Genetics
Classification: Uncertain significance for Inborn genetic diseases. Last evaluated: 2022-09-27. Review status: criteria provided, single submitter. Criteria: Ambry Variant Classification Scheme 2023. Collection method: clinical testing. Allele origin: germline.
Comment: The p.S10N variant (also known as c.29G>A), located in coding exon 1 of the WNK1 gene, results from a G to A substitution at nucleotide position 29. The serine at codon 10 is replaced by asparagine, an amino acid with highly similar properties. This amino acid position is well conserved in available vertebrate species. In addition, this alteration is predicted to be tolerated by in silico analysis. Since supporting evidence is limited at this time, the clinical significance of this alteration remains unclear.

Fulgent Genetics
Classification: Uncertain significance for Neuropathy, hereditary sensory and autonomic, type 2A; Pseudohypoaldosteronism type 2C. Last evaluated: 2022-02-24. Review status: criteria provided, single submitter. Criteria: ACMG Guidelines, 2015. Collection method: clinical testing. Allele origin: unknown.

NM_018979.4(WNK1):c.29G>A (p.Ser10Asn)

Gene: WNK1 (WNK lysine deficient protein kinase 1; plus strand). Cytogenetic location: 12p13.33.
Variant type: single nucleotide variant.
Coding change: c.29G>A on transcript NM_018979.4 (MANE Select); coding-DNA position 29, G replaced by A.
Protein change: p.Ser10Asn; replaces serine 10 with asparagine.
Molecular consequence: missense variant.
Genome position (GRCh38, 1-based): chr12:753,594, G>A. VCF-style: chr12-753594-G-A. GRCh37 (hg19) VCF-style: chr12-862760-G-A.
Other names: c.29G>A, p.Ser10Asn (NM_001184985.2, NM_014823.3, NM_213655.5); short protein forms S10N.
Identifiers: ClinVar variation 1441656 (VCV001441656.11), dbSNP rs867437047, ClinGen allele CA231463556.
Genomic context (GRCh38, chr12:753,594, plus strand): 5'-GAGCCCGCTCGCCTCTCTCCAGCGAACCGACCATGTCTGGCGGCGCCGCAGAGAAGCAGA[G>A]CAGCACTCCCGGTTCCCTGTTCCTCTCGCCGCCGGCTCCTGCCCCCAAGAATGGCTCCAG-3'
Protein context (NP_061852.3, residues 1-20): MSGGAAEKQ[Ser10Asn]STPGSLFLSP